The following is an entry in ClinVar:

NM_002336.3(LRP6):c.281T>G (p.Leu94Ter)

Gene: LRP6 (LDL receptor related protein 6; minus strand). Cytogenetic location: 12p13.2.
Variant type: single nucleotide variant.
Coding change: c.281T>G on transcript NM_002336.3 (MANE Select); coding-DNA position 281, T replaced by G.
Protein change: p.Leu94Ter; replaces leucine 94 with a stop codon.
Molecular consequence: nonsense. On other transcripts: 5 prime UTR variant (2), non-coding transcript variant (1), intron variant (1).
Genome position (GRCh38, 1-based): chr12:12,244,430, A>C on the plus strand (T>G on the coding strand, the complement: LRP6 is on the minus strand). VCF-style: chr12-12244430-A-C. GRCh37 (hg19) VCF-style: chr12-12397364-A-C.
Other names: c.281T>G, p.Leu94Ter (NM_001414250.1, NM_001414251.1, NM_001414255.1 and 6 more transcripts); c.-173T>G (NM_001414253.1); c.-169T>G (NM_001414254.1); c.-5+22251T>G (NM_001414252.1); short protein forms L94*.
Identifiers: ClinVar variation 2852604 (VCV002852604.3), dbSNP rs2499322515, ClinGen allele CA383945375.

ClinVar aggregate classification (germline): Pathogenic (1 of 4 stars; one submission).

Submission:

Labcorp Genetics (formerly Invitae), Labcorp
Classification: Pathogenic. Last evaluated: 2023-04-06. Review status: criteria provided, single submitter. Criteria: Invitae Variant Classification Sherloc (09022015). Collection method: clinical testing. Allele origin: germline.
Comment: This sequence change creates a premature translational stop signal (p.Leu94*) in the LRP6 gene. It is expected to result in an absent or disrupted protein product. Loss-of-function variants in LRP6 are known to be pathogenic (PMID: 26387593). This variant is not present in population databases (gnomAD no frequency). This variant has not been reported in the literature in individuals affected with LRP6-related conditions. For these reasons, this variant has been classified as Pathogenic.

Literature cited by the submitters: PubMed 26387593.